The following is an entry in ClinVar:

NM_000540.3(RYR1):c.6123C>G (p.His2041Gln)

Gene: RYR1 (ryanodine receptor 1; plus strand). Cytogenetic location: 19q13.2.
Variant type: single nucleotide variant.
Coding change: c.6123C>G on transcript NM_000540.3 (MANE Select); coding-DNA position 6123, C replaced by G.
Protein change: p.His2041Gln; replaces histidine 2041 with glutamine.
Molecular consequence: missense variant.
Genome position (GRCh38, 1-based): chr19:38,490,728, C>G. VCF-style: chr19-38490728-C-G. GRCh37 (hg19) VCF-style: chr19-38981368-C-G.
Other names: c.6123C>G, p.His2041Gln (NM_001042723.2); short protein forms H2041Q.
Identifiers: ClinVar variation 3385412 (VCV003385412.2).

ClinVar aggregate classification (germline): Uncertain significance. Review status: criteria provided, multiple submitters, no conflicts (2 of 4 stars). 2 submissions from 2 submitters: Uncertain significance (2). Last evaluated 2024-07-10.

Conditions:
Malignant hyperthermia, susceptibility to, 1 (MHS1). Also called: Anesthesia related hyperthermia; Malignant hyperpyrexia; Fulminating hyperpyrexia; Pharmacogenic myopathy; Malignant hyperthermia suceptibility 1; RYR1-Related Malignant Hyperthermia Susceptibility. Identifiers: Orphanet 423, MedGen C2930980, MONDO:0007783, OMIM 145600.

Submissions (2):

All of Us Research Program, National Institutes of Health
Classification: Uncertain significance for Malignant hyperthermia, susceptibility to, 1. Last evaluated: 2024-07-10. Review status: criteria provided, single submitter. Criteria: ACMG Guidelines, 2015. Collection method: clinical testing. Allele origin: germline. Inheritance: Autosomal dominant inheritance. Observed: 1 variant allele, 1 heterozygote.
Comment: This missense variant replaces histidine with glutamine at codon 2041 of the RYR1 protein. Computational prediction suggests that this variant may not impact protein structure and function (internally defined REVEL score threshold <= 0.5, PMID: 27666373). To our knowledge, functional studies have not been reported for this variant. This variant has not been reported in individuals affected with RYR1-related disorders in the literature. This variant has not been identified in the general population by the Genome Aggregation Database (gnomAD). The available evidence is insufficient to determine the role of this variant in disease conclusively. Therefore, this variant is classified as a Variant of Uncertain Significance.

This study involves interpretation of variants in research participants for the purpose of population health screening. Participant phenotype was not available at the time of variant classification. Additional details can be found in publication PMID: 35346344, PMCID: PMC8962531

Color Diagnostics, LLC DBA Color Health
Classification: Uncertain significance for Malignant hyperthermia, susceptibility to, 1. Last evaluated: 2024-06-11. Review status: criteria provided, single submitter. Criteria: ACMG Guidelines, 2015. Collection method: clinical testing. Allele origin: germline.
Comment: This missense variant replaces histidine with glutamine at codon 2041 of the RYR1 protein. Computational prediction suggests that this variant may not impact protein structure and function. To our knowledge, functional studies have not been reported for this variant. This variant has not been reported in individuals affected with RYR1-related disorders in the literature. This variant has not been identified in the general population by the Genome Aggregation Database (gnomAD). The available evidence is insufficient to determine the role of this variant in disease conclusively. Therefore, this variant is classified as a Variant of Uncertain Significance.